The following is an entry in ClinVar:

ClinVar aggregate classification (germline): Uncertain significance (1 of 4 stars; one submission).

Conditions:
Spermatogenic failure 18. Identifiers: MedGen C4539783, MONDO:0054615, OMIM 617576.
Ciliary dyskinesia, primary, 37 (CILD37). Also called: CILIARY DYSKINESIA, PRIMARY, 37, WITH OR WITHOUT SITUS INVERSUS. Identifiers: MedGen C4539798, MONDO:0033204, OMIM 617577.

Allele frequency attached by ClinVar (database versions not stated): gnomAD exomes below 0.00001 and 0.00001; TOPMed below 0.00001; gnomAD 0.00001.
gnomAD v4.1: 8 of 1,613,500 alleles (0.0005%); highest among the groups gnomAD compares: Non-Finnish European, 0.00068%; no homozygotes.

Submission:

Labcorp Genetics (formerly Invitae), Labcorp
Classification: Uncertain significance for Ciliary dyskinesia, primary, 37; Spermatogenic failure 18. Last evaluated: 2021-08-27. Review status: criteria provided, single submitter. Criteria: Invitae Variant Classification Sherloc (09022015). Collection method: clinical testing. Allele origin: germline.
Comment: This sequence change replaces leucine with proline at codon 202 of the DNAH1 protein (p.Leu202Pro). The leucine residue is highly conserved and there is a moderate physicochemical difference between leucine and proline. This variant is not present in population databases (ExAC no frequency). This variant has not been reported in the literature in individuals affected with DNAH1-related conditions. Algorithms developed to predict the effect of missense changes on protein structure and function are either unavailable or do not agree on the potential impact of this missense change (SIFT: "Deleterious"; PolyPhen-2: "Possibly Damaging"; Align-GVGD: "Class C0"). In summary, the available evidence is currently insufficient to determine the role of this variant in disease. Therefore, it has been classified as a Variant of Uncertain Significance.

NM_015512.5(DNAH1):c.605T>C (p.Leu202Pro)

Gene: DNAH1 (dynein axonemal heavy chain 1; plus strand). Cytogenetic location: 3p21.1.
Variant type: single nucleotide variant.
Coding change: c.605T>C on transcript NM_015512.5 (MANE Select); coding-DNA position 605, T replaced by C.
Protein change: p.Leu202Pro; replaces leucine 202 with proline.
Molecular consequence: missense variant.
Genome position (GRCh38, 1-based): chr3:52,326,758, T>C. VCF-style: chr3-52326758-T-C. GRCh37 (hg19) VCF-style: chr3-52360774-T-C.
Other names: short protein forms L202P.
Identifiers: ClinVar variation 968249 (VCV000968249.4), dbSNP rs1395611267, ClinGen allele CA353088134.